The following is an entry in ClinVar:

NM_201384.3(PLEC):c.4744C>T (p.Arg1582Cys)

Gene: PLEC (plectin; minus strand). Cytogenetic location: 8q24.3.
Variant type: single nucleotide variant.
Coding change: c.4744C>T on transcript NM_201384.3 (MANE Select); coding-DNA position 4744, C replaced by T.
Protein change: p.Arg1582Cys; replaces arginine 1582 with cysteine.
Molecular consequence: missense variant.
Genome position (GRCh38, 1-based): chr8:143,925,185, G>A on the plus strand (C>T on the coding strand, the complement: PLEC is on the minus strand). VCF-style: chr8-143925185-G-A. GRCh37 (hg19) VCF-style: chr8-144999353-G-A.
Other names: c.4825C>T, p.Arg1609Cys (NM_000445.5); c.4702C>T, p.Arg1568Cys (NM_201378.4); c.4678C>T, p.Arg1560Cys (NM_201379.3); c.5155C>T, p.Arg1719Cys (NM_201380.4); c.4648C>T, p.Arg1550Cys (NM_201381.3); c.4744C>T, p.Arg1582Cys (NM_201382.4); c.4756C>T, p.Arg1586Cys (NM_201383.3); short protein forms R1550C, R1560C, R1568C, R1582C, R1586C, R1609C, R1719C.
Identifiers: ClinVar variation 393095 (VCV000393095.11), dbSNP rs782517203, ClinGen allele CA4926553.

ClinVar aggregate classification (germline): Uncertain significance. Review status: criteria provided, multiple submitters, no conflicts (2 of 4 stars). 4 submissions from 4 submitters: Uncertain significance (4). Last evaluated 2026-01-18.

Conditions:
Epidermolysis bullosa simplex with nail dystrophy (EBS5D). Identifiers: MedGen C4225309, MONDO:0014661, OMIM 616487.
Epidermolysis bullosa simplex, Ogna type (EBS5A). Also called: Pidermolysis bullosa simplex 5A, Ogna type; EPIDERMOLYSIS BULLOSA SIMPLEX 5A, OGNA TYPE. Identifiers: Orphanet 79401, MedGen C0432317, MONDO:0007555, OMIM 131950.
Epidermolysis bullosa simplex 5C, with pyloric atresia (EBS5C). Also called: PLEC1-Related Epidermolysis Bullosa with Pyloric Atresia; PLEC-Related Epidermolysis Bullosa with Pyloric Atresia; Epidermolysis bullosa simplex with pyloric atresia. Identifiers: Orphanet 158684, MedGen C2677349, MONDO:0012807, OMIM 612138.
Epidermolysis bullosa simplex 5B, with muscular dystrophy (EBS5B). Also called: EPIDERMOLYSIS BULLOSA SIMPLEX AND LIMB-GIRDLE MUSCULAR DYSTROPHY; Epidermolysis bullosa simplex with muscular dystrophy. Identifiers: Orphanet 257, MedGen C2931072, MONDO:0009181, OMIM 226670.
Autosomal recessive limb-girdle muscular dystrophy type 2Q (LGMDR17). Also called: MUSCULAR DYSTROPHY, LIMB-GIRDLE, AUTOSOMAL RECESSIVE 17. Identifiers: Orphanet 254361, MedGen C3150989, MONDO:0013390, OMIM 613723.
Inborn genetic diseases. Identifiers: MedGen C0950123, MeSH D030342.

Allele frequency attached by ClinVar (database versions not stated): gnomAD exomes 0.00004 and 0.00006; gnomAD 0.00005 and 0.00006; TOPMed 0.00008; ExAC 0.00014.
gnomAD v4.1: 73 of 1,578,640 alleles (0.0046%); highest among the groups gnomAD compares: African/African-American, 0.012%; no homozygotes.

Submissions (4):

Labcorp Genetics (formerly Invitae), Labcorp
Classification: Uncertain significance for Autosomal recessive limb-girdle muscular dystrophy type 2Q; Epidermolysis bullosa simplex, Ogna type; Epidermolysis bullosa simplex with nail dystrophy; Epidermolysis bullosa simplex 5C, with pyloric atresia; Epidermolysis bullosa simplex 5B, with muscular dystrophy. Last evaluated: 2026-01-18. Review status: criteria provided, single submitter. Criteria: Invitae Variant Classification Sherloc (09022015). Collection method: clinical testing. Allele origin: germline.
Comment: This sequence change replaces arginine, which is basic and polar, with cysteine, which is neutral and slightly polar, at codon 1609 of the PLEC protein (p.Arg1609Cys). This variant is present in population databases (rs782517203, gnomAD 0.1%). This variant has not been reported in the literature in individuals affected with PLEC-related conditions. ClinVar contains an entry for this variant (Variation ID: 393095). Experimental studies and prediction algorithms are not available or were not evaluated, and the functional significance of this variant is currently unknown. In summary, the available evidence is currently insufficient to determine the role of this variant in disease. Therefore, it has been classified as a Variant of Uncertain Significance.

Revvity Omics, Revvity
Classification: Uncertain significance. Last evaluated: 2025-04-21. Review status: criteria provided, single submitter. Criteria: ACMG Guidelines, 2015. Collection method: clinical testing. Allele origin: germline.

Ambry Genetics
Classification: Uncertain significance for Inborn genetic diseases. Last evaluated: 2022-04-22. Review status: criteria provided, single submitter. Criteria: Ambry Variant Classification Scheme 2023. Collection method: clinical testing. Allele origin: germline.

GeneDx
Classification: Uncertain significance. Last evaluated: 2017-01-25. Review status: criteria provided, single submitter. Criteria: GeneDx Variant Classification (06012015). Collection method: clinical testing. Allele origin: germline. Affected: yes.
Comment: The R1609C variant has not been published as a pathogenic variant, nor has it been reported as a benign variant to our knowledge. The R1609C variant is not observed at a significant frequency in large population cohorts (Lek et al., 2016; 1000 Genomes Consortium et al., 2015; Exome Variant Server). This variant is a non-conservative amino acid substitution, which is likely to impact secondary protein structure as these residues differ in polarity, charge, size and/or other properties. Additionally, in silico analysis predicts this variant is probably damaging to the protein structure/function. However, this substitution occurs at a position that is not conserved, and missense variants in nearby residues have not been reported in the Human Gene Mutation Database in association with PLEC-related disorders (Stenson et al., 2014).